The following is an entry in ClinVar:

NM_001134831.2(AHI1):c.935C>T (p.Ala312Val)

Gene: AHI1 (Abelson helper integration site 1; minus strand). Cytogenetic location: 6q23.3.
Variant type: single nucleotide variant.
Coding change: c.935C>T on transcript NM_001134831.2 (MANE Select); coding-DNA position 935, C replaced by T.
Protein change: p.Ala312Val; replaces alanine 312 with valine.
Molecular consequence: missense variant.
Genome position (GRCh38, 1-based): chr6:135,457,710, G>A on the plus strand (C>T on the coding strand, the complement: AHI1 is on the minus strand). VCF-style: chr6-135457710-G-A. GRCh37 (hg19) VCF-style: chr6-135778848-G-A.
Other names: c.935C>T, p.Ala312Val (NM_001134830.2, NM_001134832.2, NM_001350503.2 and 2 more transcripts); short protein forms A312V.
Identifiers: ClinVar variation 1713367 (VCV001713367.3), dbSNP rs1562220013, ClinGen allele CA365748044.

ClinVar aggregate classification (germline): Uncertain significance (1 of 4 stars; one submission).

Conditions:
Joubert syndrome. Also called: CEREBELLOPARENCHYMAL DISORDER IV; JOUBERT-BOLTSHAUSER SYNDROME; Familial aplasia of the vermis. Identifiers: Orphanet 475, MedGen C5979921, MONDO:0018772.

gnomAD v4.1: 1 of 1,613,008 alleles (0.000062%); no homozygotes.

Submission:

Labcorp Genetics (formerly Invitae), Labcorp
Classification: Uncertain significance for Joubert syndrome. Last evaluated: 2022-07-15. Review status: criteria provided, single submitter. Criteria: Invitae Variant Classification Sherloc (09022015). Collection method: clinical testing. Allele origin: germline.
Comment: This sequence change replaces alanine, which is neutral and non-polar, with valine, which is neutral and non-polar, at codon 312 of the AHI1 protein (p.Ala312Val). This variant is not present in population databases (gnomAD no frequency). This variant has not been reported in the literature in individuals affected with AHI1-related conditions. Advanced modeling of protein sequence and biophysical properties (such as structural, functional, and spatial information, amino acid conservation, physicochemical variation, residue mobility, and thermodynamic stability) performed at Invitae indicates that this missense variant is not expected to disrupt AHI1 protein function. Algorithms developed to predict the effect of sequence changes on RNA splicing suggest that this variant may disrupt the consensus splice site. In summary, the available evidence is currently insufficient to determine the role of this variant in disease. Therefore, it has been classified as a Variant of Uncertain Significance.